The following is an entry in ClinVar:

NC_000017.11:g.(?_43044336)_(43051137_?)del

Gene: BRCA1 (BRCA1 DNA repair associated; minus strand). Cytogenetic location: 17q21.31.
Variant type: Deletion.
Identifiers: ClinVar variation 832373 (VCV000832373.1).

ClinVar aggregate classification (germline): Pathogenic (1 of 4 stars; one submission).

Conditions:
Hereditary breast ovarian cancer syndrome. Also called: Hereditary breast and/or ovarian cancer syndrome; Hereditary breast and ovarian cancer syndrome (HBOC); Breast and ovarian cancer; Hereditary breast and ovarian cancer; BRCA1- and BRCA2-Associated Hereditary Breast and Ovarian Cancer; Hereditary breast and ovarian cancer syndrome. Identifiers: Orphanet 145, MedGen C0677776, MeSH D061325, MONDO:0003582. Disease mechanism: loss of function.

Submission:

Labcorp Genetics (formerly Invitae), Labcorp
Classification: Pathogenic for Hereditary breast and ovarian cancer syndrome. Last evaluated: 2019-12-11. Review status: criteria provided, single submitter. Criteria: Invitae Variant Classification Sherloc (09022015). Collection method: clinical testing. Allele origin: germline.
Comment: This variant is a gross deletion of the genomic region encompassing exons 20-23 of the BRCA1 gene. The 5' boundary is likely confined to intron 19. The 3' end of this event is unknown as it extends through the termination codon beyond the assayed region for this gene and may encompass additional genes. Deletions encompassing exons 20-23, which in the literature are also known as deletions of exons 21-24, have been reported in individuals affected with breast and ovarian cancer (PMID: 16551709, 22544547, 20232141, 17688236). While this deletion is not anticipated to result in nonsense mediated decay, it is expected to result in the loss of amino acids Ile1760-Tyr1863 of the BRCA1 protein, including the translational stop codon, thereby truncating the C-terminal BRCT domain (PMID: 22843421). For these reasons, this variant has been classified as Pathogenic.

Literature cited by the submitters: PubMed 22544547; PubMed 22843421; PubMed 20232141; PubMed 17688236; PubMed 16551709.